The following is an entry in ClinVar:

ClinVar aggregate classification (germline): Uncertain significance. Review status: criteria provided, multiple submitters, no conflicts (2 of 4 stars). 2 submissions from 2 submitters: Uncertain significance (2). Last evaluated 2025-07-05.

Conditions:
Pheochromocytoma/paraganglioma syndrome 5. Also called: Paragangliomas 5; SDHA-Related Hereditary Paraganglioma-Pheochromocytoma Syndrome. Identifiers: Orphanet 29072, MedGen C3279992, MONDO:0013602, OMIM 614165.
Mitochondrial complex II deficiency, nuclear type 1. Also called: SUCCINATE CoQ REDUCTASE DEFICIENCY. Identifiers: Orphanet 3208, MedGen C5700310, MONDO:0100294, OMIM 252011.
Hereditary cancer-predisposing syndrome. Also called: Hereditary Cancer Syndrome; Hereditary neoplastic syndrome; Neoplastic Syndromes, Hereditary; Tumor predisposition. Identifiers: Orphanet 140162, MedGen C0027672, MeSH D009386, MONDO:0015356.

Submissions (2):

Ambry Genetics
Classification: Uncertain significance for Hereditary cancer-predisposing syndrome. Last evaluated: 2025-07-05. Review status: criteria provided, single submitter. Criteria: Ambry Variant Classification Scheme 2023. Collection method: clinical testing. Allele origin: germline.
Comment: The p.L209V variant (also known as c.625C>G), located in coding exon 6 of the SDHA gene, results from a C to G substitution at nucleotide position 625. The leucine at codon 209 is replaced by valine, an amino acid with highly similar properties. This amino acid position is conserved. In addition, the in silico prediction for this alteration is inconclusive. Based on the available evidence, the clinical significance of this variant remains unclear.

Labcorp Genetics (formerly Invitae), Labcorp
Classification: Uncertain significance for Pheochromocytoma/paraganglioma syndrome 5; Mitochondrial complex II deficiency, nuclear type 1. Last evaluated: 2022-06-28. Review status: criteria provided, single submitter. Criteria: Invitae Variant Classification Sherloc (09022015). Collection method: clinical testing. Allele origin: germline.
Comment: This variant has not been reported in the literature in individuals affected with SDHA-related conditions. In summary, the available evidence is currently insufficient to determine the role of this variant in disease. Therefore, it has been classified as a Variant of Uncertain Significance. Advanced modeling of protein sequence and biophysical properties (such as structural, functional, and spatial information, amino acid conservation, physicochemical variation, residue mobility, and thermodynamic stability) performed at Invitae indicates that this missense variant is not expected to disrupt SDHA protein function. This variant is not present in population databases (gnomAD no frequency). This sequence change replaces leucine, which is neutral and non-polar, with valine, which is neutral and non-polar, at codon 209 of the SDHA protein (p.Leu209Val).

NM_004168.4(SDHA):c.625C>G (p.Leu209Val)

Gene: SDHA (succinate dehydrogenase complex flavoprotein subunit A; plus strand). Cytogenetic location: 5p15.33.
Variant type: single nucleotide variant.
Coding change: c.625C>G on transcript NM_004168.4 (MANE Select); coding-DNA position 625, C replaced by G.
Protein change: p.Leu209Val; replaces leucine 209 with valine.
Molecular consequence: missense variant.
Genome position (GRCh38, 1-based): chr5:228,188, C>G. VCF-style: chr5-228188-C-G. GRCh37 (hg19) VCF-style: chr5-228303-C-G.
Other names: c.625C>G (NM_004168.2); c.481C>G, p.Leu161Val (NM_001294332.2); c.625C>G, p.Leu209Val (NM_001330758.2); short protein forms L161V, L209V.
Identifiers: ClinVar variation 2011830 (VCV002011830.5), dbSNP rs2477314868, ClinGen allele CA359010788.